The following is an entry in ClinVar:

ClinVar aggregate classification (germline): Uncertain significance (1 of 4 stars; one submission).

Conditions:
Familial acute necrotizing encephalopathy (IIAE3). Also called: ENCEPHALOPATHY, ACUTE, INFECTION-INDUCED, SUSCEPTIBILITY TO, 3; Susceptibility to Acute Necrotizing Encephalopathy 1. Identifiers: Orphanet 88619, MedGen C2675556, MONDO:0011953, OMIM 608033.

Allele frequency attached by ClinVar (database versions not stated): gnomAD exomes below 0.00001 and 0.00002; TOPMed below 0.00001; gnomAD 0.00001.
gnomAD v4.1: 30 of 1,611,772 alleles (0.0019%); highest among the groups gnomAD compares: Non-Finnish European, 0.0025%; no homozygotes.

Submission:

Labcorp Genetics (formerly Invitae), Labcorp
Classification: Uncertain significance for Familial acute necrotizing encephalopathy. Last evaluated: 2026-01-06. Review status: criteria provided, single submitter. Criteria: Invitae Variant Classification Sherloc (09022015). Collection method: clinical testing. Allele origin: germline.
Comment: This sequence change replaces threonine, which is neutral and polar, with asparagine, which is neutral and polar, at codon 669 of the RANBP2 protein (p.Thr669Asn). This variant is present in population databases (no rsID available, gnomAD 0.001%). This variant has not been reported in the literature in individuals affected with RANBP2-related conditions. ClinVar contains an entry for this variant (Variation ID: 1466491). An algorithm developed to predict the effect of missense changes on protein structure and function (PolyPhen-2) suggests that this variant is likely to be tolerated. In summary, the available evidence is currently insufficient to determine the role of this variant in disease. Therefore, it has been classified as a Variant of Uncertain Significance.

NM_006267.5(RANBP2):c.2006C>A (p.Thr669Asn)

Gene: RANBP2 (RAN binding protein 2; plus strand). Cytogenetic location: 2q13.
Variant type: single nucleotide variant.
Coding change: c.2006C>A on transcript NM_006267.5 (MANE Select); coding-DNA position 2006, C replaced by A.
Protein change: p.Thr669Asn; replaces threonine 669 with asparagine.
Molecular consequence: missense variant.
Genome position (GRCh38, 1-based): chr2:108,753,514, C>A. VCF-style: chr2-108753514-C-A. GRCh37 (hg19) VCF-style: chr2-109369970-C-A.
Other names: short protein forms T669N.
Identifiers: ClinVar variation 1466491 (VCV001466491.8), dbSNP rs1382292959, ClinGen allele CA348053418.